The following is an entry in ClinVar:

NM_001105206.3(LAMA4):c.4183G>T (p.Val1395Phe)

Gene: LAMA4 (laminin subunit alpha 4; minus strand). Cytogenetic location: 6q21.
Variant type: single nucleotide variant.
Coding change: c.4183G>T on transcript NM_001105206.3 (MANE Select); coding-DNA position 4183, G replaced by T.
Protein change: p.Val1395Phe; replaces valine 1395 with phenylalanine.
Molecular consequence: missense variant.
Genome position (GRCh38, 1-based): chr6:112,129,026, C>A on the plus strand (G>T on the coding strand, the complement: LAMA4 is on the minus strand). VCF-style: chr6-112129026-C-A. GRCh37 (hg19) VCF-style: chr6-112450228-C-A.
Other names: c.4162G>T, p.Val1388Phe (NM_001105207.3, NM_002290.5); short protein forms V1388F, V1395F.
Identifiers: ClinVar variation 1738353 (VCV001738353.3), dbSNP rs782627670, ClinGen allele CA365372376.
Genomic context (GRCh38, chr6:112,129,026, plus strand): 5'-TTTTATGGAGGAGAAACAATGGTGAAGACTCAATGGGACACTCATAAAGAGAAGTGTGGA[C>A]CTTTTCAGTATACCGTTGGAAATCTTCAACCTCCACATCTCTATCCACCCTGTGTTTGTA-3'
Protein context (NP_001098676.2, residues 1385-1405): VEDFQRYTEK[Val1395Phe]HTSLYECPIE

ClinVar aggregate classification (germline): Uncertain significance (1 of 4 stars; one submission).

Conditions:
Cardiovascular phenotype. Identifiers: MedGen CN230736.

gnomAD v4.1: 1 of 1,612,940 alleles (0.000062%); highest among the groups gnomAD compares: East Asian, 0.0022%; no homozygotes.

Submission:

Ambry Genetics
Classification: Uncertain significance for Cardiovascular phenotype. Last evaluated: 2025-09-18. Review status: criteria provided, single submitter. Criteria: Ambry Variant Classification Scheme 2023. Collection method: clinical testing. Allele origin: germline.
Comment: The p.V1388F variant (also known as c.4162G>T), located in coding exon 30 of the LAMA4 gene, results from a G to T substitution at nucleotide position 4162. The valine at codon 1388 is replaced by phenylalanine, an amino acid with highly similar properties. This amino acid position is conserved. In addition, this alteration is predicted to be tolerated by in silico analysis. Since supporting evidence is limited at this time, the clinical significance of this alteration remains unclear.